The following is an entry in ClinVar:

ClinVar aggregate classification (germline): Uncertain significance (1 of 4 stars; one submission).

Conditions:
Hereditary cancer-predisposing syndrome. Also called: Neoplastic Syndromes, Hereditary; Tumor predisposition; Hereditary Cancer Syndrome; Hereditary neoplastic syndrome. Identifiers: Orphanet 140162, MedGen C0027672, MeSH D009386, MONDO:0015356.

Submission:

Ambry Genetics
Classification: Uncertain significance for Hereditary cancer-predisposing syndrome. Last evaluated: 2025-11-11. Review status: criteria provided, single submitter. Criteria: Ambry Variant Classification Scheme 2023. Collection method: clinical testing. Allele origin: germline.
Comment: The p.S461R variant (also known as c.1383C>A), located in coding exon 9 of the FLCN gene, results from a C to A substitution at nucleotide position 1383. The serine at codon 461 is replaced by arginine, an amino acid with dissimilar properties. This amino acid position is conserved. In addition, the in silico prediction for this alteration is inconclusive. Based on the available evidence, the clinical significance of this variant remains unclear.

NM_144997.7(FLCN):c.1383C>A (p.Ser461Arg)

Gene: FLCN (folliculin; minus strand). Cytogenetic location: 17p11.2.
Variant type: single nucleotide variant.
Coding change: c.1383C>A on transcript NM_144997.7 (MANE Select); coding-DNA position 1383, C replaced by A.
Protein change: p.Ser461Arg; replaces serine 461 with arginine.
Molecular consequence: missense variant.
Genome position (GRCh38, 1-based): chr17:17,215,234, G>T on the plus strand (C>A on the coding strand, the complement: FLCN is on the minus strand). VCF-style: chr17-17215234-G-T. GRCh37 (hg19) VCF-style: chr17-17118548-G-T.
Other names: c.1437C>A, p.Ser479Arg (NM_001353229.2); c.1383C>A, p.Ser461Arg (NM_001353230.2, NM_001353231.2); short protein forms S461R, S479R.
Identifiers: ClinVar variation 4643150 (VCV004643150.1).